The following is an entry in ClinVar:

NM_024490.4(ATP10A):c.3850G>A (p.Ala1284Thr)

Gene: ATP10A (ATPase phospholipid transporting 10A (putative); minus strand). Cytogenetic location: 15q12.
Variant type: single nucleotide variant.
Coding change: c.3850G>A on transcript NM_024490.4 (MANE Select); coding-DNA position 3850, G replaced by A.
Protein change: p.Ala1284Thr; replaces alanine 1284 with threonine.
Molecular consequence: missense variant.
Genome position (GRCh38, 1-based): chr15:25,680,137, C>T on the plus strand (G>A on the coding strand, the complement: ATP10A is on the minus strand). VCF-style: chr15-25680137-C-T. GRCh37 (hg19) VCF-style: chr15-25925284-C-T.
Other names: short protein forms A1284T.
Identifiers: ClinVar variation 779272 (VCV000779272.29), dbSNP rs116641809, ClinGen allele CA7435967.

ClinVar aggregate classification (germline): Benign/Likely benign. Review status: criteria provided, multiple submitters, no conflicts (2 of 4 stars). 3 submissions from 3 submitters: Benign (2); Likely benign (1). Last evaluated 2026-06-01.

Allele frequency attached by ClinVar (database versions not stated): 1000 Genomes Project 30x 0.00250; 1000 Genomes Project 0.00260; gnomAD 0.00580 and 0.00593; gnomAD exomes 0.00580 and 0.00843; ExAC 0.00618; TOPMed 0.00618; ESP Exome Variant Server 0.00630.
gnomAD v4.1: 13,089 of 1,613,716 alleles (0.81%); highest among the groups gnomAD compares: Non-Finnish European, 1%; 55 homozygotes.

Submissions (3):

CeGaT Center for Human Genetics Tuebingen
Classification: Likely benign. Last evaluated: 2026-06-01. Review status: criteria provided, single submitter. Criteria: CeGaT Center For Human Genetics Tuebingen Variant Classification Criteria Version 2. Collection method: clinical testing. Allele origin: germline. Affected: yes. Observed: 6 variant alleles.
Comment: ATP10A: BP4, BS2

Labcorp Genetics (formerly Invitae), Labcorp
Classification: Benign. Last evaluated: 2019-12-31. Review status: criteria provided, single submitter. Criteria: Invitae Variant Classification Sherloc (09022015). Collection method: clinical testing. Allele origin: germline.

Breakthrough Genomics
Classification: Benign. Review status: criteria provided, single submitter. Criteria: ACMG Guidelines, 2015. Collection method: not provided. Allele origin: germline. Inheritance: Unknown mechanism. Affected: yes.